The following is an entry in ClinVar:

ClinVar aggregate classification (germline): Benign/Likely benign. Review status: criteria provided, multiple submitters, no conflicts (2 of 4 stars). 5 submissions from 5 submitters: Benign (2); Likely benign (3). Last evaluated 2026-04-06.

Conditions:
Regional enteritis. Also called: Enteritis, Granulomatous. Identifiers: MedGen C0678202, MeSH D003424.
Blau syndrome (BLAUS). Also called: JABS SYNDROME; ARTHROCUTANEOUVEAL GRANULOMATOSIS; GRANULOMATOSIS, FAMILIAL JUVENILE SYSTEMIC; GRANULOMATOSIS, FAMILIAL, BLAU TYPE; GRANULOMATOUS INFLAMMATORY ARTHRITIS, DERMATITIS, AND UVEITIS, FAMILIAL. Identifiers: Orphanet 90340, MedGen C5201146, MONDO:0008523, OMIM 186580.

Allele frequency attached by ClinVar (database versions not stated): ExAC 0.00007; gnomAD exomes 0.00007; gnomAD 0.00011 and 0.00014; TOPMed 0.00023; ESP Exome Variant Server 0.00038.
gnomAD v4.1: 66 of 1,613,804 alleles (0.0041%); highest among the groups gnomAD compares: African/African-American, 0.048%; no homozygotes.

Submissions (5):

Women's Health and Genetics/Laboratory Corporation of America, LabCorp
Classification: Benign. Last evaluated: 2026-04-06. Review status: criteria provided, single submitter. Criteria: LabCorp Variant Classification Summary - May 2015. Collection method: clinical testing. Allele origin: germline.

Labcorp Genetics (formerly Invitae), Labcorp
Classification: Likely benign for Regional enteritis; Blau syndrome. Last evaluated: 2025-09-24. Review status: criteria provided, single submitter. Criteria: Invitae Variant Classification Sherloc (09022015). Collection method: clinical testing. Allele origin: germline.

Mayo Clinic Laboratories, Mayo Clinic
Classification: Likely benign. Last evaluated: 2025-03-31. Review status: criteria provided, single submitter. Criteria: ACMG Guidelines, 2015. Collection method: clinical testing. Allele origin: germline. Observed: 1 variant allele.
Comment: BP4, BP7

Laboratory of Genetics, Children's Clinical University Hospital Latvia
Classification: Benign. Last evaluated: 2025-02-16. Review status: criteria provided, single submitter. Criteria: ACMG Guidelines, 2015. Collection method: clinical testing. Allele origin: germline. Affected: yes.

Blueprint Genetics
Classification: Likely benign. Last evaluated: 2021-03-24. Review status: criteria provided, single submitter. Criteria: ACMG Guidelines, 2015. Collection method: clinical testing. Allele origin: germline.

NM_001370466.1(NOD2):c.1710G>A (p.Ala570=)

Gene: NOD2 (nucleotide binding oligomerization domain containing 2; plus strand). Cytogenetic location: 16q12.1.
Variant type: single nucleotide variant.
Coding change: c.1710G>A on transcript NM_001370466.1 (MANE Select); coding-DNA position 1710, G replaced by A.
Protein change: p.Ala570=; no amino-acid change (alanine 570 retained).
Molecular consequence: synonymous variant. On other transcripts: non-coding transcript variant (1).
Genome position (GRCh38, 1-based): chr16:50,711,702, G>A. VCF-style: chr16-50711702-G-A. GRCh37 (hg19) VCF-style: chr16-50745613-G-A.
Other names: p.Ala597=; c.1710G>A, p.Ala570= (NM_001293557.2); c.1791G>A, p.Ala597= (NM_022162.3).
Identifiers: ClinVar variation 729978 (VCV000729978.15), dbSNP rs140312093, ClinGen allele CA8051627.